The following is an entry in ClinVar:

ClinVar aggregate classification (germline): Conflicting classifications of pathogenicity. Review status: criteria provided, conflicting classifications (1 of 4 stars). 3 submissions from 3 submitters: Pathogenic (1); Uncertain significance (2). Last evaluated 2026-03-11.

Conditions:
TWIST1-related craniosynostosis (CRS1). Also called: CRANIOSYNOSTOSIS 1. Identifiers: Orphanet 63440, MedGen C4551902, MONDO:0007399, OMIM 123100. Inheritance: Heterogenous inheritance pattern.
Lambdoidal craniosynostosis. Identifiers: MedGen C1833340, HP:0004443.

Allele frequency attached by ClinVar (database versions not stated): ExAC 0.00001.

Submissions (3):

GeneDx
Classification: Pathogenic. Last evaluated: 2026-03-11. Review status: criteria provided, single submitter. Criteria: GeneDx Variant Classification Process June 2021. Collection method: clinical testing. Allele origin: germline.
Comment: Previously reported in an individual with a diagnosis of ERF-related craniosynostosis (PMID: 31754721); In silico analysis supports that this missense variant has a deleterious effect on protein structure/function; In silico analysis is inconclusive as to whether the variant alters gene splicing. In the absence of RNA/functional studies, the actual effect of this sequence change is unknown.; Not observed at significant frequency in large population cohorts (gnomAD); This variant is associated with the following publications: (PMID: 23354439, 39989454, 31754721)

Victorian Clinical Genetics Services, Murdoch Childrens Research Institute
Classification: Uncertain significance for Craniosynostosis 4. Last evaluated: 2024-10-21. Review status: criteria provided, single submitter. Criteria: ACMG Guidelines, 2015. Collection method: clinical testing. Allele origin: germline.
Comment: This variant is classified as VUS-3A. Evidence in support of pathogenic classification: Variant is present in gnomAD <0.001 for a dominant condition (v2: 1 heterozygote(s), 0 homozygote(s)); Other missense variant(s) comparable to the one identified in this case has moderate previous evidence for pathogenicity. p.(Arg86Cys) has been classified as pathogenic by multiple clinical laboratories on ClinVar; Missense variant in a region that is highly intolerant to missense variation (high constraint region in DECIPHER); Missense variant consistently predicted to be damaging by an in silico tool or highly conserved with a major amino acid change. Additional information: Variant is predicted to result in a missense amino acid change from arginine to histidine; This variant is heterozygous; This gene is associated with autosomal dominant disease; An alternative amino acid change at the same position has been observed in gnomAD (v4: 1 heterozygote(s), 0 homozygote(s)); Previous reports of pathogenicity for this variant are conflicting. It has been classified as a VUS by a clinical laboratory in ClinVar. This variant has also been observed in an individual with craniosynostosis, and was inherited from an unaffected parent (PMID: 31754721); No published functional evidence has been identified for this variant; Loss of function is a known mechanism of disease in this gene and is associated with craniosynostosis 4 (MIM#600775). A single recurring missense variant has been reported to cause Chitayat syndrome (MIM#617180), where the mechanism is unclear (PMID: 27738187); The condition associated with this gene has incomplete penetrance in some families with craniosynostosis (PMID: 30758909); Variants in this gene are known to have variable expressivity, with intrafamilial variability reported for craniosynostosis (PMID: 35852485); Inheritance information for this variant is not currently available in this individual.

Labcorp Genetics (formerly Invitae), Labcorp
Classification: Uncertain significance for TWIST1-related craniosynostosis. Last evaluated: 2024-10-16. Review status: criteria provided, single submitter. Criteria: Invitae Variant Classification Sherloc (09022015). Collection method: clinical testing. Allele origin: germline.
Comment: This sequence change replaces arginine, which is basic and polar, with histidine, which is basic and polar, at codon 86 of the ERF protein (p.Arg86His). This variant also falls at the last nucleotide of exon 2, which is part of the consensus splice site for this exon. This variant is not present in population databases (gnomAD no frequency). This missense change has been observed in individual(s) with clinical features of ERF-related conditions (PMID: 31754721). ClinVar contains an entry for this variant (Variation ID: 946328). Invitae Evidence Modeling of protein sequence and biophysical properties (such as structural, functional, and spatial information, amino acid conservation, physicochemical variation, residue mobility, and thermodynamic stability) has been performed for this missense variant. However, the output from this modeling did not meet the statistical confidence thresholds required to predict the impact of this variant on ERF protein function. Variants that disrupt the consensus splice site are a relatively common cause of aberrant splicing (PMID: 17576681, 9536098). Algorithms developed to predict the effect of sequence changes on RNA splicing suggest that this variant may disrupt the consensus splice site. This variant disrupts the p.Arg86 amino acid residue in ERF. Other variant(s) that disrupt this residue have been determined to be pathogenic (PMID: 23354439). This suggests that this residue is clinically significant, and that variants that disrupt this residue are likely to be disease-causing. In summary, the available evidence is currently insufficient to determine the role of this variant in disease. Therefore, it has been classified as a Variant of Uncertain Significance.

Literature cited by the submitters: PubMed 30758909 (cited by Victorian Clinical Genetics Services, Murdoch Childrens Research Institute); PubMed 27738187 (cited by Victorian Clinical Genetics Services, Murdoch Childrens Research Institute); PubMed 35852485 (cited by Victorian Clinical Genetics Services, Murdoch Childrens Research Institute); PubMed 31754721 (cited by Victorian Clinical Genetics Services, Murdoch Childrens Research Institute and Labcorp Genetics (formerly Invitae), Labcorp); PubMed 17576681 (cited by Labcorp Genetics (formerly Invitae), Labcorp); PubMed 9536098 (cited by Labcorp Genetics (formerly Invitae), Labcorp); PubMed 23354439 (cited by Labcorp Genetics (formerly Invitae), Labcorp).

NM_006494.4(ERF):c.257G>A (p.Arg86His)

Gene: ERF (ETS2 repressor factor; minus strand). Cytogenetic location: 19q13.2.
Variant type: single nucleotide variant.
Coding change: c.257G>A on transcript NM_006494.4 (MANE Select); coding-DNA position 257, G replaced by A.
Protein change: p.Arg86His; replaces arginine 86 with histidine.
Molecular consequence: missense variant.
Genome position (GRCh38, 1-based): chr19:42,250,331, C>T on the plus strand (G>A on the coding strand, the complement: ERF is on the minus strand). VCF-style: chr19-42250331-C-T. GRCh37 (hg19) VCF-style: chr19-42754483-C-T.
Other names: c.257G>A (NM_006494.2); c.32G>A, p.Arg11His (NM_001301035.2, NM_001308402.2, NM_001312656.2); short protein forms R11H, R86H.
Identifiers: ClinVar variation 946328 (VCV000946328.12), dbSNP rs765295141, ClinGen allele CA9471475.